The following is an entry in ClinVar:

ClinVar aggregate classification (germline): Benign. Review status: reviewed by expert panel (3 of 4 stars). 5 submissions from 5 submitters: Benign (1). 4 of the submissions do not count toward it. Last evaluated 2024-04-03.

Conditions:
JAK3-related disorder. Also called: JAK3-related condition.
T-B+ severe combined immunodeficiency due to JAK3 deficiency. Also called: SCID, T CELL-NEGATIVE, B CELL-POSITIVE, NK CELL-NEGATIVE; SCID, autosomal recessive, T-negative/B-positive type. Identifiers: Orphanet 35078, MedGen C1833275, MONDO:0010938, OMIM 600802.

Allele frequency attached by ClinVar (database versions not stated): gnomAD 0.00002 and 0.00021; TOPMed 0.00006; 1000 Genomes Project 30x 0.00219; 1000 Genomes Project 0.00220; gnomAD exomes 0.00037 and 0.00078; ExAC 0.00087.
gnomAD v4.1: 573 of 1,614,138 alleles (0.035%); highest among the groups gnomAD compares: South Asian, 0.59%; 5 homozygotes.

Submissions (5):

ClinGen Severe Combined Immunodeficiency Variant Curation Expert Panel, ClinGen
Classification: Benign for T-B+ severe combined immunodeficiency due to JAK3 deficiency. Last evaluated: 2024-04-03. Review status: reviewed by expert panel. Criteria: ClinGen SCID ACMG Specifications JAK3 V1.0.0. Collection method: curation. Allele origin: germline. Inheritance: Autosomal recessive inheritance.
Comment: NM_000215.4(JAK3):c.1843C>T (p.Arg615Cys) is a missense variant predicted to cause substitution of Arginine by Cysteine at amino acid 615. The filtering allele frequency (the upper threshold of the 95% CI of 534/91086) of the c.1843C>T variant in JAK3 is 0.005451 for South Asian chromosomes by gnomAD v4, which is higher than the ClinGen SCID VCEP threshold (>0.00447) for BA1 and therefore meets this criterion (BA1). Additionally, 5 adult homozygous occurrences are reported in gnomAD v4 (BS2_Supporting). In summary, this variant meets the criteria to be classified as a Benign variant for autosomal recessive severe combined immunodeficiency due to JAK3 deficiency based on the ACMG/AMP criteria applied, as specified by the ClinGen SCID VCEP: BA1 and BS2_Supporting (VCEP specifications version 1).

Labcorp Genetics (formerly Invitae), Labcorp
Classification: Benign for T-B+ severe combined immunodeficiency due to JAK3 deficiency. Last evaluated: 2026-02-01. Review status: criteria provided, single submitter. Criteria: Invitae Variant Classification Sherloc (09022015). Collection method: clinical testing. Allele origin: germline. Not counted in ClinVar's aggregate classification.

Illumina Laboratory Services, Illumina
Classification: Likely benign for T-B+ severe combined immunodeficiency due to JAK3 deficiency. Last evaluated: 2018-01-13. Review status: criteria provided, single submitter. Criteria: ICSL Variant Classification Criteria 13 December 2019. Collection method: clinical testing. Allele origin: germline. Not counted in ClinVar's aggregate classification.
Comment: This variant was observed in the ICSL laboratory as part of a predisposition screen in an ostensibly healthy population. It had not been previously curated by ICSL or reported in the Human Gene Mutation Database (HGMD: prior to June 1st, 2018), and was therefore a candidate for classification through an automated scoring system. Utilizing variant allele frequency, disease prevalence and penetrance estimates, and inheritance mode, an automated score was calculated to assess if this variant is too frequent to cause the disease. Based on the score and internal cut-off values, a variant classified as likely benign is not then subjected to further curation. The score for this variant resulted in a classification of likely benign for this disease.

PreventionGenetics, part of Exact Sciences
Classification: Likely benign for JAK3-related condition. Last evaluated: 2023-07-17. Review status: no assertion criteria provided. Collection method: clinical testing. Allele origin: germline. Not counted in ClinVar's aggregate classification.
Comment: This variant is classified as likely benign based on ACMG/AMP sequence variant interpretation guidelines (Richards et al. 2015 PMID: 25741868, with internal and published modifications).

ITMI
No classification provided. Condition: AllHighlyPenetrant. Last evaluated: 2013-09-19. Review status: no classification provided. Collection method: reference population. Allele origin: germline. Not counted in ClinVar's aggregate classification.
Comment: Please see associated publication for description of ethnicities

Literature cited by the submitters: PubMed 24728327 (cited by ITMI).

NM_000215.4(JAK3):c.1843C>T (p.Arg615Cys)

Gene: JAK3 (Janus kinase 3; minus strand). Cytogenetic location: 19p13.11.
Variant type: single nucleotide variant.
Coding change: c.1843C>T on transcript NM_000215.4 (MANE Select); coding-DNA position 1843, C replaced by T.
Protein change: p.Arg615Cys; replaces arginine 615 with cysteine.
Molecular consequence: missense variant.
Genome position (GRCh38, 1-based): chr19:17,835,995, G>A on the plus strand (C>T on the coding strand, the complement: JAK3 is on the minus strand). VCF-style: chr19-17835995-G-A. GRCh37 (hg19) VCF-style: chr19-17946804-G-A.
Other names: NM_000215.4(JAK3):c.1843C>T; p.Arg615Cys; short protein forms R615C.
Identifiers: ClinVar variation 134569 (VCV000134569.20), dbSNP rs200075643, ClinGen allele CA160213.